The following is an entry in ClinVar:

NM_001372051.1(CASP8):c.244A>G (p.Arg82Gly)

Gene: CASP8 (caspase 8; plus strand). Cytogenetic location: 2q33.1.
Variant type: single nucleotide variant.
Coding change: c.244A>G on transcript NM_001372051.1 (MANE Select); coding-DNA position 244, A replaced by G.
Protein change: p.Arg82Gly; replaces arginine 82 with glycine.
Molecular consequence: missense variant. On other transcripts: 5 prime UTR variant (9), non-coding transcript variant (22), intron variant (3).
Genome position (GRCh38, 1-based): chr2:201,266,730, A>G. VCF-style: chr2-201266730-A-G. GRCh37 (hg19) VCF-style: chr2-202131453-A-G.
Other names: c.244A>G, p.Arg82Gly (NM_001080124.2, NM_001228.5, NM_001400645.1 and 21 more transcripts); c.421A>G, p.Arg141Gly (NM_001080125.2, NM_001400642.1, NM_001400665.1); c.-289A>G (NM_001400671.1, NM_001400673.1, NM_001400676.1 and 4 more transcripts); c.-470A>G (NM_001400674.1); c.-368A>G (NM_001400680.1); c.-4-4786A>G (NM_001400669.1); c.-227-4786A>G (NM_001400672.1, NM_001400675.1); short protein forms R141G, R82G.
Identifiers: ClinVar variation 2101467 (VCV002101467.4), dbSNP rs1947850713, ClinGen allele CA350283099.
Genomic context (GRCh38, chr2:201,266,730, plus strand): 5'-CTGAAGGAGCTGCTCTTCCGAATTAATAGACTGGATTTGCTGATTACCTACCTAAACACT[A>G]GAAAGGAGGAGATGGAAAGGGAACTTCAGACACCAGGCAGGGCTCAAATTTCTGCCTACA-3'
Protein context (NP_001358980.1, residues 72-92): LDLLITYLNT[Arg82Gly]KEEMERELQT

ClinVar aggregate classification (germline): Uncertain significance (1 of 4 stars; one submission).

Conditions:
Autoimmune lymphoproliferative syndrome type 2B. Also called: AUTOIMMUNE LYMPHOPROLIFERATIVE SYNDROME, TYPE IIB. Identifiers: Orphanet 275517, MedGen C1846545, MONDO:0011804, OMIM 607271.

Allele frequency attached by ClinVar (database versions not stated): TOPMed below 0.00001.

Submission:

Labcorp Genetics (formerly Invitae), Labcorp
Classification: Uncertain significance for Autoimmune lymphoproliferative syndrome type 2B. Last evaluated: 2022-02-22. Review status: criteria provided, single submitter. Criteria: Invitae Variant Classification Sherloc (09022015). Collection method: clinical testing. Allele origin: germline.
Comment: In summary, the available evidence is currently insufficient to determine the role of this variant in disease. Therefore, it has been classified as a Variant of Uncertain Significance. Algorithms developed to predict the effect of missense changes on protein structure and function (SIFT, PolyPhen-2, Align-GVGD) all suggest that this variant is likely to be tolerated. This variant has not been reported in the literature in individuals affected with CASP8-related conditions. This variant is not present in population databases (gnomAD no frequency). This sequence change replaces arginine, which is basic and polar, with glycine, which is neutral and non-polar, at codon 82 of the CASP8 protein (p.Arg82Gly).